The following is an entry in ClinVar:

ClinVar aggregate classification (germline): Uncertain significance (1 of 4 stars; one submission).

Conditions:
Hereditary cancer-predisposing syndrome. Also called: Tumor predisposition; Hereditary neoplastic syndrome; Neoplastic Syndromes, Hereditary; Hereditary Cancer Syndrome. Identifiers: Orphanet 140162, MedGen C0027672, MeSH D009386, MONDO:0015356.

gnomAD v4.1: 1 of 1,613,852 alleles (0.000062%); highest among the groups gnomAD compares: African/African-American, 0.0013%; no homozygotes.

Submission:

Ambry Genetics
Classification: Uncertain significance for Hereditary cancer-predisposing syndrome. Last evaluated: 2025-04-17. Review status: criteria provided, single submitter. Criteria: Ambry Variant Classification Scheme 2023. Collection method: clinical testing. Allele origin: germline.
Comment: The p.G402A variant (also known as c.1205G>C), located in coding exon 9 of the BRCA2 gene, results from a G to C substitution at nucleotide position 1205. The glycine at codon 402 is replaced by alanine, an amino acid with similar properties. This amino acid position is well conserved in available vertebrate species. In addition, this alteration is predicted to be tolerated by in silico analysis. Based on the available evidence, the clinical significance of this variant remains unclear.

NM_000059.4(BRCA2):c.1205G>C (p.Gly402Ala)

Gene: BRCA2 (BRCA2 DNA repair associated; plus strand). Cytogenetic location: 13q13.1.
Variant type: single nucleotide variant.
Coding change: c.1205G>C on transcript NM_000059.4 (MANE Select); coding-DNA position 1205, G replaced by C.
Protein change: p.Gly402Ala; replaces glycine 402 with alanine.
Molecular consequence: missense variant. On other transcripts: non-coding transcript variant (1), intron variant (1).
Genome position (GRCh38, 1-based): chr13:32,332,683, G>C. VCF-style: chr13-32332683-G-C. GRCh37 (hg19) VCF-style: chr13-32906820-G-C.
Other names: c.1205G>C, p.Gly402Ala (NM_001406719.1, NM_001406720.1, NM_001406721.1 and 1 more transcripts); c.424+1653G>C (NM_001406722.1); short protein forms G402A.
Identifiers: ClinVar variation 3992782 (VCV003992782.1).